The following is an entry in ClinVar:

ClinVar aggregate classification (germline): Benign (1 of 4 stars; one submission).

Allele frequency attached by ClinVar (database versions not stated): gnomAD exomes 0.94868; ExAC 0.94843; TOPMed 0.96248; gnomAD 0.95978; 1000 Genomes Project 0.97883; 1000 Genomes Project 30x 0.97923.
gnomAD v4.1: 652,571 of 686,196 alleles (95%); highest among the groups gnomAD compares: East Asian, 100%; 310,547 homozygotes.

Submission:

Unidad de Genómica Garrahan, Hospital de Pediatría Garrahan
Classification: Benign. Last evaluated: 2024-01-24. Review status: criteria provided, single submitter. Criteria: ACMG Guidelines, 2015. Collection method: clinical testing. Allele origin: germline. Affected: no. Observed: 95 variant alleles.
Comment: This variant is classified as Benign based on local population frequency. This variant was detected in 100% of patients studied by a panel of primary immunodeficiencies. Number of patients: 95. Only high quality variants are reported.

NM_001320151.2(OAS1):c.1039-39C>T

Gene: OAS1 (2'-5'-oligoadenylate synthetase 1; plus strand). Cytogenetic location: 12q24.13.
Variant type: single nucleotide variant.
Coding change: c.1039-39C>T on transcript NM_001320151.2; 39 bases into the intron before coding-DNA position 1039, C replaced by T.
Molecular consequence: intron variant.
Genome position (GRCh38, 1-based): chr12:112,931,839, C>T. VCF-style: chr12-112931839-C-T. GRCh37 (hg19) VCF-style: chr12-113369644-C-T.
Other names: c.1015-39C>T (NM_001406025.1).
Identifiers: ClinVar variation 2688063 (VCV002688063.2), dbSNP rs7968145, ClinGen allele CA6800061.